The following is an entry in ClinVar:

NM_004453.4(ETFDH):c.1503T>G (p.Asp501Glu)

Gene: ETFDH (electron transfer flavoprotein dehydrogenase; plus strand). Cytogenetic location: 4q32.1.
Variant type: single nucleotide variant.
Coding change: c.1503T>G on transcript NM_004453.4 (MANE Select); coding-DNA position 1503, T replaced by G.
Protein change: p.Asp501Glu; replaces aspartic acid 501 with glutamic acid.
Molecular consequence: missense variant.
Genome position (GRCh38, 1-based): chr4:158,706,663, T>G. VCF-style: chr4-158706663-T-G. GRCh37 (hg19) VCF-style: chr4-159627815-T-G.
Other names: c.1362T>G, p.Asp454Glu (NM_001281737.2); c.1320T>G, p.Asp440Glu (NM_001281738.1); c.1503T>G (NM_004453.2); short protein forms D440E, D454E, D501E.
Identifiers: ClinVar variation 1331442 (VCV001331442.5), dbSNP rs752947878, ClinGen allele CA3122648.

ClinVar aggregate classification (germline): Uncertain significance. Review status: criteria provided, multiple submitters, no conflicts (2 of 4 stars). 3 submissions from 3 submitters: Uncertain significance (3). Last evaluated 2024-04-20.

Conditions:
Multiple acyl-CoA dehydrogenase deficiency (MADD). Also called: ETHYLMALONIC-ADIPICACIDURIA; Glutaric aciduria, type 2; GA II; Glutaric Acidemia type 2; Glutaric acidemia type II; GA 2. Identifiers: Orphanet 26791, MedGen C0268596, MONDO:0009282, OMIM 231680.
Inborn genetic diseases. Identifiers: MedGen C0950123, MeSH D030342.

Allele frequency attached by ClinVar (database versions not stated): TOPMed 0.00002; gnomAD 0.00003; gnomAD exomes 0.00004; ExAC 0.00005.
gnomAD v4.1: 17 of 1,614,054 alleles (0.0011%); highest among the groups gnomAD compares: Admixed American, 0.028%; no homozygotes.

Submissions (3):

Ambry Genetics
Classification: Uncertain significance for Inborn genetic diseases. Last evaluated: 2024-04-20. Review status: criteria provided, single submitter. Criteria: Ambry Variant Classification Scheme 2023. Collection method: clinical testing. Allele origin: germline.

Labcorp Genetics (formerly Invitae), Labcorp
Classification: Uncertain significance for Multiple acyl-CoA dehydrogenase deficiency. Last evaluated: 2022-08-23. Review status: criteria provided, single submitter. Criteria: Invitae Variant Classification Sherloc (09022015). Collection method: clinical testing. Allele origin: germline.
Comment: This sequence change replaces aspartic acid, which is acidic and polar, with glutamic acid, which is acidic and polar, at codon 501 of the ETFDH protein (p.Asp501Glu). This variant is present in population databases (rs752947878, gnomAD 0.03%). This variant has not been reported in the literature in individuals affected with ETFDH-related conditions. ClinVar contains an entry for this variant (Variation ID: 1331442). Advanced modeling of protein sequence and biophysical properties (such as structural, functional, and spatial information, amino acid conservation, physicochemical variation, residue mobility, and thermodynamic stability) performed at Invitae indicates that this missense variant is not expected to disrupt ETFDH protein function. In summary, the available evidence is currently insufficient to determine the role of this variant in disease. Therefore, it has been classified as a Variant of Uncertain Significance.

Women's Health and Genetics/Laboratory Corporation of America, LabCorp
Classification: Uncertain significance. Last evaluated: 2021-12-17. Review status: criteria provided, single submitter. Criteria: LabCorp Variant Classification Summary - May 2015. Collection method: clinical testing. Allele origin: germline.